The following is an entry in ClinVar:

NM_001854.4(COL11A1):c.4634C>T (p.Pro1545Leu)

Gene: COL11A1 (collagen type XI alpha 1 chain; minus strand). Cytogenetic location: 1p21.1.
Variant type: single nucleotide variant.
Coding change: c.4634C>T on transcript NM_001854.4 (MANE Select); coding-DNA position 4634, C replaced by T.
Protein change: p.Pro1545Leu; replaces proline 1545 with leucine.
Molecular consequence: missense variant. On other transcripts: non-coding transcript variant (1).
Genome position (GRCh38, 1-based): chr1:102,887,031, G>A on the plus strand (C>T on the coding strand, the complement: COL11A1 is on the minus strand). VCF-style: chr1-102887031-G-A. GRCh37 (hg19) VCF-style: chr1-103352587-G-A.
Other names: c.4517C>T, p.Pro1506Leu (NM_001190709.2); c.4670C>T, p.Pro1557Leu (NM_080629.3); c.4286C>T, p.Pro1429Leu (NM_080630.4); short protein forms P1545L, P1429L, P1506L, P1557L.
Identifiers: ClinVar variation 4690440 (VCV004690440.1).
Genomic context (GRCh38, chr1:102,887,031, plus strand): 5'-GCATCTGCTTGCATGCCTTCAGTATGTCTTCTCGTTTTTTTGGAGGACAAGATTGGTAAA[G>A]GCTGAATGACTTCACCAGGTGGACCCTGTAAAGAAGATAATGTGAGTGCAATTGTTTCAT-3'
Protein context (NP_001845.3, residues 1535-1555): SPGPPGEVIQ[Pro1545Leu]LPILSSKKTR

ClinVar aggregate classification (germline): Uncertain significance (1 of 4 stars; one submission).

gnomAD v4.1: 1 of 1,613,816 alleles (0.000062%); highest among the groups gnomAD compares: Non-Finnish European, 0.000085%; no homozygotes.

Submission:

Labcorp Genetics (formerly Invitae), Labcorp
Classification: Uncertain significance. Last evaluated: 2025-07-28. Review status: criteria provided, single submitter. Criteria: Invitae Variant Classification Sherloc (09022015). Collection method: clinical testing. Allele origin: germline.
Comment: This sequence change replaces proline, which is neutral and non-polar, with leucine, which is neutral and non-polar, at codon 1545 of the COL11A1 protein (p.Pro1545Leu). This variant is not present in population databases (gnomAD no frequency). This variant has not been reported in the literature in individuals affected with COL11A1-related conditions. Invitae Evidence Modeling of protein sequence and biophysical properties (such as structural, functional, and spatial information, amino acid conservation, physicochemical variation, residue mobility, and thermodynamic stability) indicates that this missense variant is not expected to disrupt COL11A1 protein function with a negative predictive value of 80%. In summary, the available evidence is currently insufficient to determine the role of this variant in disease. Therefore, it has been classified as a Variant of Uncertain Significance.